The following is an entry in ClinVar:

NM_138927.4(SON):c.4237_4238del (p.Leu1413fs)

Gene: SON (SON DNA and RNA binding protein; plus strand). Cytogenetic location: 21q22.11.
Variant type: Deletion.
Coding change: c.4237_4238del on transcript NM_138927.4 (MANE Select); coding-DNA positions 4237 to 4238, 2 bases deleted (CT; older notation c.4237_4238delCT).
Protein change: p.Leu1413fs; shifts the reading frame from leucine 1413.
Molecular consequence: frameshift variant. On other transcripts: non-coding transcript variant (1), intron variant (1).
Genome position (GRCh38, 1-based): chr21:33,553,468-33,553,469, CT deleted. VCF-style (leftmost placement, unchanged base first): chr21-33553467-GCT-G. GRCh37 (hg19) VCF-style: chr21-34925773-GCT-G.
Other names: c.4237_4238del, p.Leu1413fs (NM_001291411.2, NM_032195.3); c.245-3688_245-3687del (NM_001291412.3); c.4237_4238delCT (NM_032195.2); short protein forms L1413fs.
Identifiers: ClinVar variation 817821 (VCV000817821.1), dbSNP rs1601268503, ClinGen allele CA915953127.

ClinVar aggregate classification (germline): Pathogenic (1 of 4 stars; one submission).

Submission:

GeneDx
Classification: Pathogenic. Last evaluated: 2018-09-20. Review status: criteria provided, single submitter. Criteria: GeneDx Variant Classification (06012015). Collection method: clinical testing. Allele origin: germline. Affected: yes.
Comment: The c.4237_4238delCT variant in the SON gene has not been reported previously as a pathogenic variant nor as a benign variant, to our knowledge. The c.4237_4238delCT variant causes a frameshift starting with codon Leucine 1413, changes this amino acid to a Glycine residue, and creates a premature Stop codon at position 51 of the new reading frame, denoted p.Leu1413GlyfsX51. This variant is predicted to cause loss of normal protein function either through protein truncation or nonsense-mediated mRNA decay. The c.4237_4238delCT variant is not observed in large population cohorts (Lek et al., 2016). We interpret c.4237_4238delCT as a pathogenic variant.